The following is an entry in ClinVar:

ClinVar aggregate classification (germline): Uncertain significance (1 of 4 stars; one submission).

Allele frequency attached by ClinVar (database versions not stated): gnomAD exomes below 0.00001; TOPMed below 0.00001; gnomAD 0.00001.
gnomAD v4.1: 2 of 1,614,044 alleles (0.00012%); highest among the groups gnomAD compares: African/African-American, 0.0013%; no homozygotes.

Submission:

Labcorp Genetics (formerly Invitae), Labcorp
Classification: Uncertain significance. Last evaluated: 2023-05-26. Review status: criteria provided, single submitter. Criteria: Invitae Variant Classification Sherloc (09022015). Collection method: clinical testing. Allele origin: germline.
Comment: This variant has not been reported in the literature in individuals affected with SEMA4A-related conditions. This variant is not present in population databases (gnomAD no frequency). This sequence change replaces lysine, which is basic and polar, with arginine, which is basic and polar, at codon 355 of the SEMA4A protein (p.Lys355Arg). In summary, the available evidence is currently insufficient to determine the role of this variant in disease. Therefore, it has been classified as a Variant of Uncertain Significance. Advanced modeling of protein sequence and biophysical properties (such as structural, functional, and spatial information, amino acid conservation, physicochemical variation, residue mobility, and thermodynamic stability) performed at Invitae indicates that this missense variant is not expected to disrupt SEMA4A protein function.

NM_022367.4(SEMA4A):c.1064A>G (p.Lys355Arg)

Gene: SEMA4A (semaphorin 4A; plus strand). Cytogenetic location: 1q22.
Variant type: single nucleotide variant.
Coding change: c.1064A>G on transcript NM_022367.4 (MANE Select); coding-DNA position 1064, A replaced by G.
Protein change: p.Lys355Arg; replaces lysine 355 with arginine.
Molecular consequence: missense variant.
Genome position (GRCh38, 1-based): chr1:156,163,024, A>G. VCF-style: chr1-156163024-A-G. GRCh37 (hg19) VCF-style: chr1-156132815-A-G.
Other names: c.668A>G, p.Lys223Arg (NM_001193302.2); c.1064A>G, p.Lys355Arg (NM_001370567.1, NM_001193300.2, NM_001193301.2); c.767A>G, p.Lys256Arg (NM_001370568.1); c.557A>G, p.Lys186Arg (NM_001370569.1, NM_001370571.1); short protein forms K186R, K256R, K355R, K223R.
Identifiers: ClinVar variation 3011474 (VCV003011474.3), dbSNP rs940455117, ClinGen allele CA31034540.